The following is an entry in ClinVar:

NM_002907.4(RECQL):c.1337A>T (p.Tyr446Phe)

Gene: RECQL (RecQ like helicase; minus strand). Cytogenetic location: 12p12.1.
Variant type: single nucleotide variant.
Coding change: c.1337A>T on transcript NM_002907.4 (MANE Select); coding-DNA position 1337, A replaced by T.
Protein change: p.Tyr446Phe; replaces tyrosine 446 with phenylalanine.
Molecular consequence: missense variant.
Genome position (GRCh38, 1-based): chr12:21,474,859, T>A on the plus strand (A>T on the coding strand, the complement: RECQL is on the minus strand). VCF-style: chr12-21474859-T-A. GRCh37 (hg19) VCF-style: chr12-21627793-T-A.
Other names: c.1337A>T, p.Tyr446Phe (NM_032941.3); short protein forms Y446F.
Identifiers: ClinVar variation 3152834 (VCV003152834.2), dbSNP rs1273124460, ClinGen allele CA384118210.
Genomic context (GRCh38, chr12:21,474,859, plus strand): 5'-TTGCTTTAATTGATAAAAGTTATAAAAAGGTATGTGGCTTACTTGCTTATGTTTTGACAG[T>A]ATGATACCATCTCATAAAGCTTCTGCTGTCCCACATTTTCCATCACCACCATTGAACTTA-3'
Protein context (NP_002898.2, residues 436-456): GQQKLYEMVS[Tyr446Phe]CQNISKCRRV

ClinVar aggregate classification (germline): Uncertain significance (1 of 4 stars; one submission).

Submission:

Ambry Genetics
Classification: Uncertain significance. Last evaluated: 2026-07-28. Review status: criteria provided, single submitter. Criteria: Ambry Variant Classification Scheme 2023. Collection method: clinical testing. Allele origin: germline.
Comment: The p.Y446F variant (also known as c.1337A>T), located in coding exon 10 of the RECQL gene, results from an A to T substitution at nucleotide position 1337. The tyrosine at codon 446 is replaced by phenylalanine, an amino acid with highly similar properties. This amino acid position is conserved. In addition, this alteration is predicted to be tolerated by in silico analysis. Based on the available evidence, the clinical significance of this variant remains unclear.